The following is an entry in ClinVar:

NM_001374828.1(ARID1B):c.1769G>C (p.Gly590Ala)

Gene: ARID1B (AT-rich interaction domain 1B; plus strand). Cytogenetic location: 6q25.3.
Variant type: single nucleotide variant.
Coding change: c.1769G>C on transcript NM_001374828.1 (MANE Select); coding-DNA position 1769, G replaced by C.
Protein change: p.Gly590Ala; replaces glycine 590 with alanine.
Molecular consequence: missense variant.
Genome position (GRCh38, 1-based): chr6:156,779,449, G>C. VCF-style: chr6-156779449-G-C. GRCh37 (hg19) VCF-style: chr6-157100583-G-C.
Other names: c.1769G>C, p.Gly590Ala (NM_001371656.1, NM_001374820.1, NM_001438482.1 and 9 more transcripts); short protein forms G590A.
Identifiers: ClinVar variation 4699232 (VCV004699232.1).

ClinVar aggregate classification (germline): Uncertain significance (1 of 4 stars; one submission).

Submission:

Labcorp Genetics (formerly Invitae), Labcorp
Classification: Uncertain significance. Last evaluated: 2025-09-15. Review status: criteria provided, single submitter. Criteria: Invitae Variant Classification Sherloc (09022015). Collection method: clinical testing. Allele origin: germline.
Comment: This sequence change replaces glycine, which is neutral and non-polar, with alanine, which is neutral and non-polar, at codon 507 of the ARID1B protein (p.Gly507Ala). This variant is not present in population databases (gnomAD no frequency). This variant has not been reported in the literature in individuals affected with ARID1B-related conditions. Invitae Evidence Modeling of protein sequence and biophysical properties (such as structural, functional, and spatial information, amino acid conservation, physicochemical variation, residue mobility, and thermodynamic stability) indicates that this missense variant is not expected to disrupt ARID1B protein function with a negative predictive value of 95%. In summary, the available evidence is currently insufficient to determine the role of this variant in disease. Therefore, it has been classified as a Variant of Uncertain Significance.